The following is an entry in ClinVar:

NM_001378609.3(OTOGL):c.3434C>T (p.Ala1145Val)

Gene: OTOGL (otogelin like; plus strand). Cytogenetic location: 12q21.31.
Variant type: single nucleotide variant.
Coding change: c.3434C>T on transcript NM_001378609.3 (MANE Select); coding-DNA position 3434, C replaced by T.
Protein change: p.Ala1145Val; replaces alanine 1145 with valine.
Molecular consequence: missense variant.
Genome position (GRCh38, 1-based): chr12:80,310,711, C>T. VCF-style: chr12-80310711-C-T. GRCh37 (hg19) VCF-style: chr12-80704491-C-T.
Other names: c.3299C>T, p.Ala1100Val (NM_001368062.3); c.3434C>T, p.Ala1145Val (NM_001378610.3, NM_173591.7); short protein forms A1136V, A1100V, A1145V.
Identifiers: ClinVar variation 504848 (VCV000504848.15), dbSNP rs374368341, ClinGen allele CA6701054.
Genomic context (GRCh38, chr12:80,310,711, plus strand): 5'-ATCAAAACAAATTTCCTTATGCCAAGAAAGAATGCTCCATTTTGTACAGTGATATTTTTG[C>T]TTCTTGTCGCAATGTGGTAAATGAATACTTTAATGAACTCTCGAGTTTCAATATGTTCTA-3'
Protein context (NP_001365538.2, residues 1135-1155): ECSILYSDIF[Ala1145Val]SCRNVIDVTS

ClinVar aggregate classification (germline): Uncertain significance. Review status: criteria provided, multiple submitters, no conflicts (2 of 4 stars). 6 submissions from 6 submitters: Uncertain significance (6). Last evaluated 2025-08-21.

Conditions:
Autosomal recessive nonsyndromic hearing loss 84B. Also called: Deafness, autosomal recessive 84b. Identifiers: Orphanet 90636, MedGen C3554159, MONDO:0013984, OMIM 614944.
Inborn genetic diseases. Identifiers: MedGen C0950123, MeSH D030342.

Allele frequency attached by ClinVar (database versions not stated): ExAC 0.00003; gnomAD 0.00006; gnomAD exomes 0.00006; TOPMed 0.00007; 1000 Genomes Project 30x 0.00016; ESP Exome Variant Server 0.00017; 1000 Genomes Project 0.00020.
gnomAD v4.1: 118 of 1,575,004 alleles (0.0075%); highest among the groups gnomAD compares: Admixed American, 0.032%; no homozygotes.

Submissions (6):

Ambry Genetics
Classification: Uncertain significance for Inborn genetic diseases. Last evaluated: 2025-08-21. Review status: criteria provided, single submitter. Criteria: Ambry Variant Classification Scheme 2023. Collection method: clinical testing. Allele origin: germline.

GeneDx
Classification: Uncertain significance. Last evaluated: 2025-08-21. Review status: criteria provided, single submitter. Criteria: GeneDx Variant Classification Process June 2021. Collection method: clinical testing. Allele origin: germline.
Comment: In silico analysis suggests that this missense variant does not alter protein structure/function; In silico analysis is inconclusive as to whether the variant alters gene splicing. In the absence of RNA/functional studies, the actual effect of this sequence change is unknown.; Has not been previously published as pathogenic or benign to our knowledge

Blueprint Genetics
Classification: Uncertain significance. Last evaluated: 2024-11-26. Review status: criteria provided, single submitter. Criteria: ACMG Guidelines, 2015. Collection method: clinical testing. Allele origin: germline.

Labcorp Genetics (formerly Invitae), Labcorp
Classification: Uncertain significance. Last evaluated: 2024-05-09. Review status: criteria provided, single submitter. Criteria: Invitae Variant Classification Sherloc (09022015). Collection method: clinical testing. Allele origin: germline.
Comment: This sequence change replaces alanine, which is neutral and non-polar, with valine, which is neutral and non-polar, at codon 1136 of the OTOGL protein (p.Ala1136Val). This variant is present in population databases (rs374368341, gnomAD 0.03%). This variant has not been reported in the literature in individuals affected with OTOGL-related conditions. ClinVar contains an entry for this variant (Variation ID: 504848). An algorithm developed to predict the effect of missense changes on protein structure and function (PolyPhen-2) suggests that this variant is likely to be disruptive. Algorithms developed to predict the effect of sequence changes on RNA splicing suggest that this variant may disrupt the consensus splice site. In summary, the available evidence is currently insufficient to determine the role of this variant in disease. Therefore, it has been classified as a Variant of Uncertain Significance.

Revvity Omics, Revvity
Classification: Uncertain significance for Autosomal recessive nonsyndromic hearing loss 84B. Last evaluated: 2020-02-29. Review status: criteria provided, single submitter. Criteria: ACMG Guidelines, 2015. Collection method: clinical testing. Allele origin: germline.

Laboratory for Molecular Medicine, Mass General Brigham Personalized Medicine
Classification: Uncertain significance. Last evaluated: 2017-03-07. Review status: criteria provided, single submitter. Criteria: LMM Criteria. Collection method: clinical testing. Allele origin: germline. Observed: 2 variant alleles.
Comment: It has also been identified in 3/64954 European chromosomes by the Exome Aggregation Consortium (ExAC; dbSNP r s374368341). Although this variant has been seen in the general population, its frequency is not high enough to rule out a pathogenic role. Computational predic tion tools and conservation analyses do not provide strong support for or agains t an impact to the protein. In summary, the clinical significance of the p.Ala11 36Val variant is uncertain.